The following is an entry in ClinVar:

NM_001364171.2(ODAD1):c.1680C>A (p.Thr560=)

Gene: ODAD1 (outer dynein arm docking complex subunit 1; minus strand). Cytogenetic location: 19q13.33.
Variant type: single nucleotide variant.
Coding change: c.1680C>A on transcript NM_001364171.2 (MANE Select); coding-DNA position 1680, C replaced by A.
Protein change: p.Thr560=; no amino-acid change (threonine 560 retained).
Molecular consequence: synonymous variant.
Genome position (GRCh38, 1-based): chr19:48,297,420, G>T on the plus strand (C>A on the coding strand, the complement: ODAD1 is on the minus strand). VCF-style: chr19-48297420-G-T. GRCh37 (hg19) VCF-style: chr19-48800677-G-T.
Other names: c.1569C>A, p.Thr523= (NM_144577.4).
Identifiers: ClinVar variation 696926 (VCV000696926.13), dbSNP rs138262031, ClinGen allele CA9548586.

ClinVar aggregate classification (germline): Benign/Likely benign. Review status: criteria provided, multiple submitters, no conflicts (2 of 4 stars). 4 submissions from 4 submitters: Benign (1); Likely benign (3). Last evaluated 2025-12-15.

Conditions:
Primary ciliary dyskinesia. Also called: Ciliary dyskinesia. Identifiers: Orphanet 244, MedGen C0008780, MONDO:0016575, HP:0012265.
ODAD1-related disorder. Also called: ODAD1-related condition.

Allele frequency attached by ClinVar (database versions not stated): gnomAD 0.00018 and 0.00024; TOPMed 0.00032; ExAC 0.00039; gnomAD exomes 0.00045; 1000 Genomes Project 30x 0.00078; 1000 Genomes Project 0.00080.
gnomAD v4.1: 363 of 1,604,964 alleles (0.023%); highest among the groups gnomAD compares: East Asian, 0.53%; 1 homozygote.

Submissions (4):

Labcorp Genetics (formerly Invitae), Labcorp
Classification: Benign for Primary ciliary dyskinesia. Last evaluated: 2025-12-15. Review status: criteria provided, single submitter. Criteria: Invitae Variant Classification Sherloc (09022015). Collection method: clinical testing. Allele origin: germline.

PreventionGenetics, part of Exact Sciences
Classification: Likely benign for ODAD1-related condition. Last evaluated: 2025-11-05. Review status: criteria provided, single submitter. Criteria: ACMG Guidelines, 2015. Collection method: clinical testing. Allele origin: germline.
Comment: This variant is classified as likely benign based on ACMG/AMP sequence variant interpretation guidelines (Richards et al. 2015 PMID: 25741868, with internal and published modifications).

Blueprint Genetics
Classification: Likely benign. Last evaluated: 2024-09-18. Review status: criteria provided, single submitter. Criteria: ACMG Guidelines, 2015. Collection method: clinical testing. Allele origin: germline.

Ambry Genetics
Classification: Likely benign for Primary ciliary dyskinesia. Last evaluated: 2024-08-31. Review status: criteria provided, single submitter. Criteria: Ambry Variant Classification Scheme 2023. Collection method: clinical testing. Allele origin: germline.